The following is an entry in ClinVar:

ClinVar aggregate classification (germline): Uncertain significance. Review status: criteria provided, multiple submitters, no conflicts (2 of 4 stars). 2 submissions from 2 submitters: Uncertain significance (2). Last evaluated 2024-11-05.

Conditions:
Encephalopathy, acute, infection-induced (herpes-specific), susceptibility to, 1. Also called: Herpes simplex encephalitis, susceptibility to, 1. Identifiers: Orphanet 1930, MedGen C2750180, MONDO:0024563, OMIM 610551.

Allele frequency attached by ClinVar (database versions not stated): gnomAD exomes below 0.00001; TOPMed 0.00002; gnomAD 0.00001.
gnomAD v4.1: 5 of 1,613,800 alleles (0.00031%); highest among the groups gnomAD compares: African/African-American, 0.004%; no homozygotes.

Submissions (2):

Labcorp Genetics (formerly Invitae), Labcorp
Classification: Uncertain significance for Encephalopathy, acute, infection-induced (herpes-specific), susceptibility to, 1. Last evaluated: 2024-11-05. Review status: criteria provided, single submitter. Criteria: Invitae Variant Classification Sherloc (09022015). Collection method: clinical testing. Allele origin: germline.
Comment: This sequence change replaces valine, which is neutral and non-polar, with isoleucine, which is neutral and non-polar, at codon 720 of the TLR3 protein (p.Val720Ile). This variant is not present in population databases (gnomAD no frequency). This variant has not been reported in the literature in individuals affected with TLR3-related conditions. ClinVar contains an entry for this variant (Variation ID: 1021986). An algorithm developed to predict the effect of missense changes on protein structure and function outputs the following: PolyPhen-2: "Benign". The isoleucine amino acid residue is found in multiple mammalian species, which suggests that this missense change does not adversely affect protein function. In summary, the available evidence is currently insufficient to determine the role of this variant in disease. Therefore, it has been classified as a Variant of Uncertain Significance.

Blueprint Genetics
Classification: Uncertain significance. Last evaluated: 2024-07-08. Review status: criteria provided, single submitter. Criteria: ACMG Guidelines, 2015. Collection method: clinical testing. Allele origin: germline.

NM_003265.3(TLR3):c.2158G>A (p.Val720Ile)

Gene: TLR3 (toll like receptor 3; plus strand). Cytogenetic location: 4q35.1.
Variant type: single nucleotide variant.
Coding change: c.2158G>A on transcript NM_003265.3 (MANE Select); coding-DNA position 2158, G replaced by A.
Protein change: p.Val720Ile; replaces valine 720 with isoleucine.
Molecular consequence: missense variant.
Genome position (GRCh38, 1-based): chr4:186,083,844, G>A. VCF-style: chr4-186083844-G-A. GRCh37 (hg19) VCF-style: chr4-187004998-G-A.
Other names: short protein forms V720I.
Identifiers: ClinVar variation 1021986 (VCV001021986.10), dbSNP rs1218359456, ClinGen allele CA358935240.